The following is an entry in ClinVar:

NM_001395656.1(ROBO2):c.*1245T>A

Gene: ROBO2 (roundabout guidance receptor 2; plus strand). Cytogenetic location: 3p12.3.
Variant type: single nucleotide variant.
Coding change: c.*1245T>A on transcript NM_001395656.1 (MANE Select); 1245 bases downstream of the stop codon, T replaced by A.
Molecular consequence: 3 prime UTR variant.
Genome position (GRCh38, 1-based): chr3:77,647,300, T>A. VCF-style: chr3-77647300-T-A. GRCh37 (hg19) VCF-style: chr3-77696451-T-A.
Other names: c.*1245T>A (NM_001128929.3, NM_001290039.2, NM_001290040.2 and 14 more transcripts); c.*1242T>A (NM_001378194.1, NM_001378196.1, NM_001378199.1 and 3 more transcripts).
Identifiers: ClinVar variation 346733 (VCV000346733.6), dbSNP rs559415425, ClinGen allele CA10619599.

ClinVar aggregate classification (germline): Likely benign (1 of 4 stars; one submission).

Conditions:
Vesicoureteral reflux 2 (VUR2). Identifiers: Orphanet 289365, MedGen C1970483, MONDO:0012573, OMIM 610878.

Allele frequency attached by ClinVar (database versions not stated): 1000 Genomes Project 30x 0.00062; gnomAD 0.00078 and 0.00086; 1000 Genomes Project 0.00080; TOPMed 0.00100.

Submission:

Illumina Laboratory Services, Illumina
Classification: Likely benign for Vesicoureteral reflux 2. Last evaluated: 2018-01-12. Review status: criteria provided, single submitter. Criteria: ICSL Variant Classification Criteria 13 December 2019. Collection method: clinical testing. Allele origin: germline.
Comment: This variant was observed in the ICSL laboratory as part of a predisposition screen in an ostensibly healthy population. It had not been previously curated by ICSL or reported in the Human Gene Mutation Database (HGMD: prior to June 1st, 2018), and was therefore a candidate for classification through an automated scoring system. Utilizing variant allele frequency, disease prevalence and penetrance estimates, and inheritance mode, an automated score was calculated to assess if this variant is too frequent to cause the disease. Based on the score and internal cut-off values, a variant classified as likely benign is not then subjected to further curation. The score for this variant resulted in a classification of likely benign for this disease.